The following is an entry in ClinVar:

ClinVar aggregate classification (germline): Likely benign (1 of 4 stars; one submission).

Submission:

GeneDx
Classification: Likely benign. Last evaluated: 2021-01-31. Review status: criteria provided, single submitter. Criteria: GeneDx Variant Classification Process June 2021. Collection method: clinical testing. Allele origin: germline. Affected: yes.
Comment: See Variant Classification Assertion Criteria.

NM_001111.5(ADAR):c.2496+41_2496+42dup

Gene: ADAR (adenosine deaminase RNA specific; minus strand). Cytogenetic location: 1q21.3.
Variant type: Duplication.
Coding change: c.2496+41_2496+42dup on transcript NM_001111.5 (MANE Select); bases 41 to 42 of the intron after coding-DNA position 2496, 2 bases duplicated (GG; older notation c.2496+41_2496+42dupGG).
Molecular consequence: intron variant.
Genome position (GRCh38, 1-based): chr1:154,590,142-154,590,143, CC duplicated on the plus strand (GG on the coding strand, the reverse complement: ADAR is on the minus strand); duplicating any 2 consecutive bases within chr1:154,590,142-154,590,148 gives the same sequence; the c. name uses the placement nearest the transcript's 3' end. VCF-style (leftmost placement, unchanged base first): chr1-154590141-A-ACC. GRCh37 (hg19) VCF-style: chr1-154562617-A-ACC.
Other names: c.1611+41_1611+42dup (NM_001365046.1, NM_001025107.3, NM_001365048.1 and 2 more transcripts); c.2523+41_2523+42dup (NM_001365045.1); c.1533+119_1533+120dup (NM_001365049.1); c.2361+119_2361+120dup (NM_015841.4); c.2418+119_2418+120dup (NM_015840.4).
Identifiers: ClinVar variation 2506794 (VCV002506794.1), dbSNP rs3215061, ClinGen allele CA1131247.